The following is an entry in ClinVar:

NM_001123385.2(BCOR):c.5094T>G (p.Tyr1698Ter)

Gene: BCOR (BCL6 corepressor; minus strand). Cytogenetic location: Xp11.4.
Variant type: single nucleotide variant.
Coding change: c.5094T>G on transcript NM_001123385.2 (MANE Select); coding-DNA position 5094, T replaced by G.
Protein change: p.Tyr1698Ter; replaces tyrosine 1698 with a stop codon.
Molecular consequence: nonsense. On other transcripts: 3 prime UTR variant (1).
Genome position (GRCh38, 1-based): chrX:40,052,283, A>C on the plus strand (T>G on the coding strand, the complement: BCOR is on the minus strand). VCF-style: chrX-40052283-A-C. GRCh37 (hg19) VCF-style: chrX-39911536-A-C.
Other names: c.4992T>G, p.Tyr1664Ter (NM_001123383.2, NM_001438208.1, NM_017745.6); c.4938T>G, p.Tyr1646Ter (NM_001123384.2); c.5094T>G, p.Tyr1698Ter (NM_001437510.1); c.*162T>G (NM_001437511.1); c.5040T>G, p.Tyr1680Ter (NM_001438207.1); short protein forms Y1646*, Y1664*, Y1680*, Y1698*.
Identifiers: ClinVar variation 4530158 (VCV004530158.1).

ClinVar aggregate classification (somatic clinical impact): Tier II - Potential (1 of 4 stars; one submission).

Conditions:
Diffuse glioma, H3 G34 mutant. Identifiers: MedGen CN377580, MONDO:0957197.

Submission:

Institute for Genomic Medicine (IGM) Clinical Laboratory, Nationwide Children's Hospital
Classification: Tier II - Potential for Diffuse glioma, H3 G34 mutant. Assertion type: diagnostic. Clinical significance: supports diagnosis. Last evaluated: 2024-05-29. Review status: criteria provided, single submitter. Criteria: AMP/ASCO/CAP Guidelines, 2017. Collection method: clinical testing. Allele origin: somatic. Affected: yes.
Comment: Variant has Tier II (potential) clinical significance as a diagnostic inclusion criterion in diffuse glioma, H3 G34 mutant, based on the following evidence: 1) Documented in one or more cancer databases (e.g., St. Jude Pecan, COSMIC, CIViC, OncoKB). 2) Information in the literature supports potential biologic effect of variant (PMIDs: 35015684, 33945606). 3) Diagnostic significance based on multiple small studies (Evidence Level C; PMIDs: 28966033, 24705251, 29763623, 28912153).

Literature cited by the submitters: PubMed 35015684; PubMed 33945606; PubMed 28966033; PubMed 24705251; PubMed 29763623; PubMed 28912153.